The following is an entry in ClinVar:

ClinVar aggregate classification (germline): Conflicting classifications of pathogenicity. Review status: criteria provided, conflicting classifications (1 of 4 stars). 4 submissions from 4 submitters: Likely pathogenic (1); Uncertain significance (1). 2 of the submissions do not count toward it. Last evaluated 2025-05-29.

Conditions:
Bleeding disorder, platelet-type, 21 (BDPLT21). Identifiers: MedGen C4479515, MONDO:0054577, OMIM 617443.

Allele frequency attached by ClinVar (database versions not stated): TOPMed below 0.00001.

Submissions (4):

GeneDx
Classification: Likely pathogenic. Last evaluated: 2025-05-29. Review status: criteria provided, single submitter. Criteria: GeneDx Variant Classification Process June 2021. Collection method: clinical testing. Allele origin: germline. Affected: yes.
Comment: Identified heterozygous in two relatives from a single family with confirmed platelet dense granule secretion defect, mild thrombocytopenia, excessive bleeding, and absent thrombin-induced ATP secretion in platelets (PMID: 27479822, 24100448); Published functional studies suggest a damaging effect with luciferase assays revealing that the transcriptional activity of Y343C was significantly reduced compared to wildtype (PMID: 24100448); In silico analysis supports that this missense variant has a deleterious effect on protein structure/function; Not observed at significant frequency in large population cohorts (gnomAD); This variant is associated with the following publications: (PMID: 27479822, 35021601, 37377909, 24100448)

Labcorp Genetics (formerly Invitae), Labcorp
Classification: Uncertain significance. Last evaluated: 2022-04-15. Review status: criteria provided, single submitter. Criteria: Invitae Variant Classification Sherloc (09022015). Collection method: clinical testing. Allele origin: germline.
Comment: In summary, the available evidence is currently insufficient to determine the role of this variant in disease. Therefore, it has been classified as a Variant of Uncertain Significance. Experimental studies have shown that this missense change affects FLI1 function (PMID: 24100448). Algorithms developed to predict the effect of missense changes on protein structure and function (SIFT, PolyPhen-2, Align-GVGD) all suggest that this variant is likely to be disruptive. ClinVar contains an entry for this variant (Variation ID: 424633). This missense change has been observed in individual(s) with clinical features of FLI1-related conditions (PMID: 24100448). This variant is not present in population databases (gnomAD no frequency). This sequence change replaces tyrosine, which is neutral and polar, with cysteine, which is neutral and slightly polar, at codon 343 of the FLI1 protein (p.Tyr343Cys).

OMIM
Classification: Pathogenic for BLEEDING DISORDER, PLATELET-TYPE, 21. Last evaluated: 2017-04-25. Review status: no assertion criteria provided. Collection method: literature only. Allele origin: germline. Not counted in ClinVar's aggregate classification.

ISTH-SSC Genomics in Thrombosis and Hemostasis, KU Leuven, Center for Molecular and Vascular Biology
Classification: Likely pathogenic for Bleeding disorder, platelet-type, 21. Review status: no assertion criteria provided. Collection method: research. Allele origin: unknown. Affected: yes. Not counted in ClinVar's aggregate classification.
Comment: Submitted to GoldVariant by Neil Morgan from Birmingham Platelet Group, Birmingham, UK

Literature cited by the submitters: PubMed 24100448 (cited by Labcorp Genetics (formerly Invitae), Labcorp and OMIM).

NM_002017.5(FLI1):c.1028A>G (p.Tyr343Cys)

Gene: FLI1 (Fli-1 proto-oncogene, ETS transcription factor; plus strand). Cytogenetic location: 11q24.3.
Variant type: single nucleotide variant.
Coding change: c.1028A>G on transcript NM_002017.5 (MANE Select); coding-DNA position 1028, A replaced by G.
Protein change: p.Tyr343Cys; replaces tyrosine 343 with cysteine.
Molecular consequence: missense variant.
Genome position (GRCh38, 1-based): chr11:128,810,657, A>G. VCF-style: chr11-128810657-A-G. GRCh37 (hg19) VCF-style: chr11-128680552-A-G.
Other names: c.929A>G, p.Tyr310Cys (NM_001167681.3); c.830A>G, p.Tyr277Cys (NM_001271010.2); c.449A>G, p.Tyr150Cys (NM_001271012.2); c.1028A>G (NM_002017.4); short protein forms Y343C, Y150C, Y277C, Y310C.
Identifiers: ClinVar variation 424633 (VCV000424633.9), dbSNP rs1064797084, ClinGen allele CA16621534.
Genomic context (GRCh38, chr11:128,810,657, plus strand): 5'-AGCGGAAAAGCAAGCCCAACATGAATTACGACAAGCTGAGCCGGGCCCTCCGTTATTACT[A>G]TGATAAAAACATTATGACCAAAGTGCACGGCAAAAGATATGCTTACAAATTTGACTTCCA-3'
Protein context (NP_002008.2, residues 333-353): DKLSRALRYY[Tyr343Cys]DKNIMTKVHG